The following is an entry in ClinVar:

NM_003924.4(PHOX2B):c.832G>A (p.Gly278Ser)

Gene: PHOX2B (paired like homeobox 2B; minus strand). Cytogenetic location: 4p13.
Variant type: single nucleotide variant.
Coding change: c.832G>A on transcript NM_003924.4 (MANE Select); coding-DNA position 832, G replaced by A.
Protein change: p.Gly278Ser; replaces glycine 278 with serine.
Molecular consequence: missense variant.
Genome position (GRCh38, 1-based): chr4:41,745,920, C>T on the plus strand (G>A on the coding strand, the complement: PHOX2B is on the minus strand). VCF-style: chr4-41745920-C-T. GRCh37 (hg19) VCF-style: chr4-41747937-C-T.
Other names: short protein forms G278S.
Identifiers: ClinVar variation 239596 (VCV000239596.26), dbSNP rs138545772, ClinGen allele CA2901407.

ClinVar aggregate classification (germline): Conflicting classifications of pathogenicity. Review status: criteria provided, conflicting classifications (1 of 4 stars). 9 submissions from 8 submitters: Uncertain significance (2); Benign (2); Likely benign (4). 1 of the submissions does not count toward it. Last evaluated 2025-11-17.

Conditions:
PHOX2B-related disorder. Also called: PHOX2B-related condition.
Hereditary cancer-predisposing syndrome. Also called: Tumor predisposition; Hereditary neoplastic syndrome; Neoplastic Syndromes, Hereditary; Hereditary Cancer Syndrome. Identifiers: Orphanet 140162, MedGen C0027672, MeSH D009386, MONDO:0015356.
Haddad syndrome (OHD). Also called: Ondine-Hirschsprung disease. Identifiers: Orphanet 99803, MedGen C1859049, MONDO:0020493.
Neuroblastoma, susceptibility to, 2. Identifiers: Orphanet 635, MedGen C2751682, MONDO:0700041, OMIM 613013.
Congenital central hypoventilation. Also called: Congenital Central Hypoventilation Syndrome. Identifiers: Orphanet 661, Orphanet 99803, MedGen C1275808, MONDO:0800031. Disease mechanism: gain of function.

Allele frequency attached by ClinVar (database versions not stated): gnomAD exomes 0.00006 and 0.00020; ExAC 0.00027; gnomAD 0.00072 and 0.00077; TOPMed 0.00073; 1000 Genomes Project 30x 0.00094; ESP Exome Variant Server 0.00116; 1000 Genomes Project 0.00120.
gnomAD v4.1: 210 of 1,601,192 alleles (0.013%); highest among the groups gnomAD compares: African/African-American, 0.26%; no homozygotes.

Submissions (9):

Labcorp Genetics (formerly Invitae), Labcorp
Classification: Likely benign for Haddad syndrome. Last evaluated: 2025-11-17. Review status: criteria provided, single submitter. Criteria: Invitae Variant Classification Sherloc (09022015). Collection method: clinical testing. Allele origin: germline.

Revvity Omics, Revvity
Classification: Uncertain significance. Last evaluated: 2025-04-21. Review status: criteria provided, single submitter. Criteria: ACMG Guidelines, 2015. Collection method: clinical testing. Allele origin: germline.

Women's Health and Genetics/Laboratory Corporation of America, LabCorp
Classification: Likely benign. Last evaluated: 2024-10-07. Review status: criteria provided, single submitter. Criteria: LabCorp Variant Classification Summary - May 2015. Collection method: clinical testing. Allele origin: germline.

Sema4
Classification: Likely benign for Hereditary cancer-predisposing syndrome. Last evaluated: 2021-06-30. Review status: criteria provided, single submitter. Criteria: Sema4 Curation Guidelines. Collection method: curation. Allele origin: germline.

GeneDx
Classification: Uncertain significance. Last evaluated: 2020-05-22. Review status: criteria provided, single submitter. Criteria: GeneDx Variant Classification Process June 2021. Collection method: clinical testing. Allele origin: germline. Affected: yes.
Comment: Has not been previously published as pathogenic or benign to our knowledge; In silico analysis supports that this missense variant does not alter protein structure/function

Ambry Genetics
Classification: Likely benign for Hereditary cancer-predisposing syndrome. Last evaluated: 2018-11-21. Review status: criteria provided, single submitter. Criteria: Ambry Variant Classification Scheme 2023. Collection method: clinical testing. Allele origin: germline.

Illumina Laboratory Services, Illumina
Classification: Benign for Neuroblastoma, susceptibility to, 2. Last evaluated: 2018-01-13. Review status: criteria provided, single submitter. Criteria: ICSL Variant Classification Criteria 13 December 2019. Collection method: clinical testing. Allele origin: germline.
Comment: This variant was observed in the ICSL laboratory as part of a predisposition screen in an ostensibly healthy population. It had not been previously curated by ICSL or reported in the Human Gene Mutation Database (HGMD: prior to June 1st, 2018), and was therefore a candidate for classification through an automated scoring system. Utilizing variant allele frequency, disease prevalence and penetrance estimates, and inheritance mode, an automated score was calculated to assess if this variant is too frequent to cause the disease. Based on the score and internal cut-off values, a variant classified as benign is not then subjected to further curation. The score for this variant resulted in a classification of benign for this disease.

Illumina Laboratory Services, Illumina
Classification: Benign for Central hypoventilation syndrome, congenital, 1, with or without Hirschsprung disease. Last evaluated: 2018-01-13. Review status: criteria provided, single submitter. Criteria: ICSL Variant Classification Criteria 13 December 2019. Collection method: clinical testing. Allele origin: germline.
Comment: the same text as in the submission from Illumina Laboratory Services, Illumina above.

PreventionGenetics, part of Exact Sciences
Classification: Likely benign for PHOX2B-related condition. Last evaluated: 2021-12-24. Review status: no assertion criteria provided. Collection method: clinical testing. Allele origin: germline. Not counted in ClinVar's aggregate classification.
Comment: This variant is classified as likely benign based on ACMG/AMP sequence variant interpretation guidelines (Richards et al. 2015 PMID: 25741868, with internal and published modifications).